The following is an entry in ClinVar:

NM_005546.4(ITK):c.*1943T>C

Gene: ITK (IL2 inducible T cell kinase; plus strand). Cytogenetic location: 5q33.3.
Variant type: single nucleotide variant.
Coding change: c.*1943T>C on transcript NM_005546.4 (MANE Select); 1943 bases downstream of the stop codon, T replaced by C.
Molecular consequence: 3 prime UTR variant.
Genome position (GRCh38, 1-based): chr5:157,254,621, T>C. VCF-style: chr5-157254621-T-C. GRCh37 (hg19) VCF-style: chr5-156681631-T-C.
Identifiers: ClinVar variation 907258 (VCV000907258.4), dbSNP rs191436930, ClinGen allele CA130165905.

ClinVar aggregate classification (germline): Likely benign (1 of 4 stars; one submission).

Conditions:
Lymphoproliferative syndrome 1 (LPFS1). Identifiers: Orphanet 238505, Orphanet 538963, MedGen C3552634, MONDO:0013081, OMIM 613011.

Allele frequency attached by ClinVar (database versions not stated): gnomAD 0.00016 and 0.00022; TOPMed 0.00029; 1000 Genomes Project 30x 0.00047; 1000 Genomes Project 0.00060; gnomAD exomes 0.00131.
gnomAD v4.1: 115 of 218,230 alleles (0.053%); highest among the groups gnomAD compares: East Asian, 0.75%; no homozygotes.

Submission:

Illumina Laboratory Services, Illumina
Classification: Likely benign for Lymphoproliferative syndrome 1. Last evaluated: 2018-01-13. Review status: criteria provided, single submitter. Criteria: ICSL Variant Classification Criteria 13 December 2019. Collection method: clinical testing. Allele origin: germline.
Comment: This variant was observed in the ICSL laboratory as part of a predisposition screen in an ostensibly healthy population. It had not been previously curated by ICSL or reported in the Human Gene Mutation Database (HGMD: prior to June 1st, 2018), and was therefore a candidate for classification through an automated scoring system. Utilizing variant allele frequency, disease prevalence and penetrance estimates, and inheritance mode, an automated score was calculated to assess if this variant is too frequent to cause the disease. Based on the score and internal cut-off values, a variant classified as likely benign is not then subjected to further curation. The score for this variant resulted in a classification of likely benign for this disease.